The following is an entry in ClinVar:

NM_021922.3(FANCE):c.334del (p.Ser112fs)

Gene: FANCE (FA complementation group E; plus strand). Cytogenetic location: 6p21.31.
Variant type: Deletion.
Coding change: c.334del on transcript NM_021922.3 (MANE Select); coding-DNA position 334, one base deleted (A; older notation c.334delA).
Protein change: p.Ser112fs; shifts the reading frame from serine 112.
Molecular consequence: frameshift variant.
Genome position (GRCh38, 1-based): chr6:35,455,832, A deleted; the last of 3 consecutive A bases (chr6:35,455,830-35,455,832); deleting any one gives the same sequence. VCF-style (leftmost placement, unchanged base first): chr6-35455829-GA-G. GRCh37 (hg19) VCF-style: chr6-35423606-GA-G.
Other names: short protein forms S112fs.
Identifiers: ClinVar variation 1322887 (VCV001322887.7), dbSNP rs1479445348, ClinGen allele CA566703041.
Genomic context (GRCh38, chr6:35,455,829, plus strand): 5'-CCCCGGATATGCCAGAGGAACCTGATGTCCCTGCTGATGGCCGTTCGGCCATCGCTGCCG[GA>G]AAGTGGGCTCCTCTCTGTGCTGCAGATTGCCCAGCAGGACCTAGCCCCTGACCCAGATGC-3'

ClinVar aggregate classification (germline): Pathogenic. Review status: criteria provided, multiple submitters, no conflicts (2 of 4 stars). 2 submissions from 2 submitters: Pathogenic (2). Last evaluated 2025-10-09.

Conditions:
Fanconi anemia complementation group E (FANCE). Also called: FANCE-Related Fanconi Anemia. Identifiers: Orphanet 84, MedGen C3160739, MONDO:0010953, OMIM 600901.

Submissions (2):

Labcorp Genetics (formerly Invitae), Labcorp
Classification: Pathogenic for Fanconi anemia complementation group E. Last evaluated: 2025-10-09. Review status: criteria provided, single submitter. Criteria: Invitae Variant Classification Sherloc (09022015). Collection method: clinical testing. Allele origin: germline.
Comment: This sequence change creates a premature translational stop signal (p.Ser112Valfs*14) in the FANCE gene. It is expected to result in an absent or disrupted protein product. Loss-of-function variants in FANCE are known to be pathogenic (PMID: 11001585, 17924555). This variant is present in population databases (no rsID available, gnomAD 0.0009%). This premature translational stop signal has been observed in individual(s) with Fanconi anemia (PMID: 32947577). ClinVar contains an entry for this variant (Variation ID: 1322887). For these reasons, this variant has been classified as Pathogenic.

Baylor Genetics
Classification: Pathogenic for Fanconi anemia complementation group E. Last evaluated: 2023-06-23. Review status: criteria provided, single submitter. Criteria: ACMG Guidelines, 2015. Collection method: clinical testing. Allele origin: unknown.

Literature cited by the submitters: PubMed 11001585 (cited by Labcorp Genetics (formerly Invitae), Labcorp); PubMed 17924555 (cited by Labcorp Genetics (formerly Invitae), Labcorp); PubMed 32947577 (cited by Labcorp Genetics (formerly Invitae), Labcorp).